The following is an entry in ClinVar:

NM_001165963.4(SCN1A):c.3542T>C (p.Phe1181Ser)

Genes: SCN1A (sodium voltage-gated channel alpha subunit 1; minus strand), LOC102724058 (uncharacterized LOC102724058; plus strand). Cytogenetic location: 2q24.3.
Variant type: single nucleotide variant.
Coding change: c.3542T>C on transcript NM_001165963.4 (MANE Select); coding-DNA position 3542, T replaced by C.
Protein change: p.Phe1181Ser; replaces phenylalanine 1181 with serine.
Molecular consequence: missense variant. On other transcripts: non-coding transcript variant (2).
Genome position (GRCh38, 1-based): chr2:166,015,615, A>G on the plus strand (T>C on the coding strand, the complement: SCN1A is on the minus strand). VCF-style: chr2-166015615-A-G. GRCh37 (hg19) VCF-style: chr2-166872125-A-G.
Other names: c.3458T>C, p.Phe1153Ser (NM_001165964.3, NM_001353957.2, NM_001353958.2); c.3542T>C, p.Phe1181Ser (NM_001202435.3, NM_001353948.2); c.3509T>C, p.Phe1170Ser (NM_001353949.2, NM_001353950.2, NM_001353951.2 and 2 more transcripts); c.3506T>C, p.Phe1169Ser (NM_001353954.2, NM_001353955.2); c.3455T>C, p.Phe1152Ser (NM_001353960.2); c.1100T>C, p.Phe367Ser (NM_001353961.2); short protein forms F1152S, F1153S, F1169S, F1170S, F1181S, F367S.
Identifiers: ClinVar variation 1310712 (VCV001310712.2), dbSNP rs2105628529, ClinGen allele CA349056570.

ClinVar aggregate classification (germline): Uncertain significance (1 of 4 stars; one submission).

Submission:

GeneDx
Classification: Uncertain significance. Last evaluated: 2019-12-05. Review status: criteria provided, single submitter. Criteria: GeneDx Variant Classification Process June 2021. Collection method: clinical testing. Allele origin: germline. Affected: yes.
Comment: Not observed in large population cohorts (Lek et al., 2016); The majority of missense variants in this gene are considered pathogenic (Stenson et al., 2014); In silico analysis, which includes protein predictors and evolutionary conservation, supports a deleterious effect; Has not been previously published as pathogenic or benign to our knowledge